The following is an entry in ClinVar:

NM_007055.4(POLR3A):c.2444A>T (p.Asn815Ile)

Gene: POLR3A (RNA polymerase III subunit A; minus strand). Cytogenetic location: 10q22.3.
Variant type: single nucleotide variant.
Coding change: c.2444A>T on transcript NM_007055.4 (MANE Select); coding-DNA position 2444, A replaced by T.
Protein change: p.Asn815Ile; replaces asparagine 815 with isoleucine.
Molecular consequence: missense variant.
Genome position (GRCh38, 1-based): chr10:78,001,010, T>A on the plus strand (A>T on the coding strand, the complement: POLR3A is on the minus strand). VCF-style: chr10-78001010-T-A. GRCh37 (hg19) VCF-style: chr10-79760768-T-A.
Other names: short protein forms N815I.
Identifiers: ClinVar variation 2090225 (VCV002090225.5), dbSNP rs1211394532, ClinGen allele CA377336272.

ClinVar aggregate classification (germline): Uncertain significance. Review status: criteria provided, multiple submitters, no conflicts (2 of 4 stars). 2 submissions from 2 submitters: Uncertain significance (2). Last evaluated 2026-08-06.

Conditions:
Leukodystrophy, hypomyelinating, 7, with or without oligodontia and/or hypogonadotropic hypogonadism (HLD7). Also called: LEUKODYSTROPHY, HYPOMYELINATING, 7, WITH OLIGODONTIA; LEUKODYSTROPHY, HYPOMYELINATING, 7, WITH OLIGODONTIA AND HYPOGONADOTROPIC HYPOGONADISM; LEUKODYSTROPHY, HYPOMYELINATING, 7, WITHOUT OLIGODONTIA OR HYPOGONADOTROPIC HYPOGONADISM; Ataxia, Delayed Dentition and Hypomyelination (ADDH); LEUKOENCEPHALOPATHY, HYPOMYELINATING, WITH ATAXIA AND DELAYED DENTITION; ATAXIA, DELAYED DENTITION, AND HYPOMYELINATION. Identifiers: Orphanet 137639, Orphanet 447893, Orphanet 447896, Orphanet 77295, Orphanet 88637, MedGen CN034185, MONDO:0011897, OMIM 607694.

Allele frequency attached by ClinVar (database versions not stated): TOPMed below 0.00001; gnomAD 0.00001.
gnomAD v4.1: 1 of 1,608,598 alleles (0.000062%); highest among the groups gnomAD compares: African/African-American, 0.0013%; no homozygotes.

Submissions (2):

OLLIN Analises Genomicas, OLLIN
Classification: Uncertain significance for Leukodystrophy, hypomyelinating, 7, with or without oligodontia and/or hypogonadotropic hypogonadism. Last evaluated: 2026-08-06. Review status: criteria provided, single submitter. Criteria: ACMG Guidelines 2015 PMID 25741868. Collection method: clinical testing. Allele origin: germline.
Comment: This missense variant, located in exon 18 (of 31), has been reported in ClinVar (accession VCV002090225.4) and in gnomAD with an allele frequency of 0.000062%. However, to our knowledge, it has not been reported in the scientific literature. In silico analysis is inconclusive regarding the impact of this variant. This gene is constrained for missense variation. According to the currently available evidence, this variant has been classified as uncertain significance (PM2_P, PM3_P, PP2).

Labcorp Genetics (formerly Invitae), Labcorp
Classification: Uncertain significance. Last evaluated: 2022-01-27. Review status: criteria provided, single submitter. Criteria: Invitae Variant Classification Sherloc (09022015). Collection method: clinical testing. Allele origin: germline.
Comment: This variant is present in population databases (no rsID available, gnomAD 0.01%). In summary, the available evidence is currently insufficient to determine the role of this variant in disease. Therefore, it has been classified as a Variant of Uncertain Significance. Algorithms developed to predict the effect of missense changes on protein structure and function are either unavailable or do not agree on the potential impact of this missense change (SIFT: "Deleterious"; PolyPhen-2: "Benign"; Align-GVGD: "Class C0"). This variant has not been reported in the literature in individuals affected with POLR3A-related conditions. This sequence change replaces asparagine, which is neutral and polar, with isoleucine, which is neutral and non-polar, at codon 815 of the POLR3A protein (p.Asn815Ile).